The following is an entry in ClinVar:

ClinVar aggregate classification (germline): Pathogenic (1 of 4 stars; one submission).

Conditions:
Autosomal recessive early-onset Parkinson disease 6 (PARK6). Also called: PINK1-Related Parkinson Disease; PINK1 Type of Young-Onset Parkinson Disease; PARKINSON DISEASE 6, EARLY-ONSET; PARKINSON DISEASE 6, MODIFIER OF. Identifiers: Orphanet 2828, MedGen C1853833, MONDO:0011613, OMIM 605909.

Submission:

Labcorp Genetics (formerly Invitae), Labcorp
Classification: Pathogenic for Autosomal recessive early-onset Parkinson disease 6. Last evaluated: 2024-11-05. Review status: criteria provided, single submitter. Criteria: Invitae Variant Classification Sherloc (09022015). Collection method: clinical testing. Allele origin: germline.
Comment: This sequence change creates a premature translational stop signal (p.Tyr466Leufs*49) in the PINK1 gene. While this is not anticipated to result in nonsense mediated decay, it is expected to disrupt the last 116 amino acid(s) of the PINK1 protein. This variant is not present in population databases (gnomAD no frequency). This variant has not been reported in the literature in individuals affected with PINK1-related conditions. This variant disrupts a region of the PINK1 protein in which other variant(s) (p.Cys549Trpfs*5) have been determined to be pathogenic (PMID: 16401616). This suggests that this is a clinically significant region of the protein, and that variants that disrupt it are likely to be disease-causing. For these reasons, this variant has been classified as Pathogenic.

Literature cited by the submitters: PubMed 16401616.

NM_032409.3(PINK1):c.1396dup (p.Tyr466fs)

Genes: PINK1 (PTEN induced kinase 1; plus strand), PINK1-AS (PINK1 antisense RNA; minus strand). Cytogenetic location: 1p36.12.
Variant type: Duplication.
Coding change: c.1396dup on transcript NM_032409.3 (MANE Select); coding-DNA position 1396, one base duplicated (T; older notation c.1396dupT).
Protein change: p.Tyr466fs; shifts the reading frame from tyrosine 466.
Molecular consequence: frameshift variant. On other transcripts: non-coding transcript variant (1).
Genome position (GRCh38, 1-based): chr1:20,649,139, T duplicated. VCF-style (leftmost placement, unchanged base first): chr1-20649138-C-CT. GRCh37 (hg19) VCF-style: chr1-20975631-C-CT.
Other names: short protein forms Y466fs.
Identifiers: ClinVar variation 3660782 (VCV003660782.2).